The following is an entry in ClinVar:

NM_005862.3(STAG1):c.564G>A (p.Gln188=)

Gene: STAG1 (STAG1 cohesin complex component; minus strand). Cytogenetic location: 3q22.3.
Variant type: single nucleotide variant.
Coding change: c.564G>A on transcript NM_005862.3 (MANE Select); coding-DNA position 564, G replaced by A.
Protein change: p.Gln188=; no amino-acid change (glutamine 188 retained).
Molecular consequence: synonymous variant.
Genome position (GRCh38, 1-based): chr3:136,521,325, C>T on the plus strand (G>A on the coding strand, the complement: STAG1 is on the minus strand). VCF-style: chr3-136521325-C-T. GRCh37 (hg19) VCF-style: chr3-136240167-C-T.
Other names: c.564G>A (NM_005862.2).
Identifiers: ClinVar variation 2158052 (VCV002158052.5), dbSNP rs775454319, ClinGen allele CA2633155.

ClinVar aggregate classification (germline): Likely benign. Review status: criteria provided, multiple submitters, no conflicts (2 of 4 stars). 2 submissions from 2 submitters: Likely benign (2). Last evaluated 2025-04-28.

Conditions:
STAG1-related disorder. Also called: STAG1-related disorders.

Allele frequency attached by ClinVar (database versions not stated): ExAC 0.00002; gnomAD 0.00003; gnomAD exomes 0.00004.
gnomAD v4.1: 69 of 1,613,650 alleles (0.0043%); highest among the groups gnomAD compares: Non-Finnish European, 0.0053%; no homozygotes.

Submissions (2):

PreventionGenetics, part of Exact Sciences
Classification: Likely benign for STAG1-related condition. Last evaluated: 2025-04-28. Review status: criteria provided, single submitter. Criteria: ACMG Guidelines, 2015. Collection method: clinical testing. Allele origin: germline.
Comment: This variant is classified as likely benign based on ACMG/AMP sequence variant interpretation guidelines (Richards et al. 2015 PMID: 25741868, with internal and published modifications).

Labcorp Genetics (formerly Invitae), Labcorp
Classification: Likely benign. Last evaluated: 2023-11-20. Review status: criteria provided, single submitter. Criteria: Invitae Variant Classification Sherloc (09022015). Collection method: clinical testing. Allele origin: germline.